The following is an entry in ClinVar:

NM_022455.5(NSD1):c.6640G>A (p.Glu2214Lys)

Gene: NSD1 (nuclear receptor binding SET domain protein 1; plus strand). Cytogenetic location: 5q35.3.
Variant type: single nucleotide variant.
Coding change: c.6640G>A on transcript NM_022455.5 (MANE Select); coding-DNA position 6640, G replaced by A.
Protein change: p.Glu2214Lys; replaces glutamic acid 2214 with lysine.
Molecular consequence: missense variant.
Genome position (GRCh38, 1-based): chr5:177,294,008, G>A. VCF-style: chr5-177294008-G-A. GRCh37 (hg19) VCF-style: chr5-176721009-G-A.
Other names: c.5887G>A, p.Glu1963Lys (NM_001409305.1); c.5878G>A, p.Glu1960Lys (NM_001409306.1, NM_001409307.1); c.5767G>A, p.Glu1923Lys (NM_001409308.1, NM_172349.5, NM_001365684.2); c.5518G>A, p.Glu1840Lys (NM_001409309.1); c.6640G>A, p.Glu2214Lys (NM_001409301.1, NM_001409302.1, NM_001409303.1); c.6220G>A, p.Glu2074Lys (NM_001409304.1); short protein forms E2214K, E1945K, E1923K, E2074K, E1840K, E1960K, E1963K.
Identifiers: ClinVar variation 159435 (VCV000159435.10), dbSNP rs587784213, ClinGen allele CA295114.

ClinVar aggregate classification (germline): Conflicting classifications of pathogenicity. Review status: criteria provided, conflicting classifications (1 of 4 stars). 3 submissions from 3 submitters: Likely pathogenic (1); Uncertain significance (2). Last evaluated 2021-10-22.

Conditions:
Sotos syndrome (SOTOS). Also called: Distinctive facial appearance, overgrowth in childhood, and learning disabilities or delayed development; CEREBRAL GIGANTISM; Sotos' syndrome; CHROMOSOME 5q35 DELETION SYNDROME; SOTOS SYNDROME 1. Identifiers: Orphanet 821, MedGen C0175695, MONDO:0019349, OMIM 117550.

Submissions (3):

GeneDx
Classification: Likely pathogenic. Last evaluated: 2021-10-22. Review status: criteria provided, single submitter. Criteria: GeneDx Variant Classification Process June 2021. Collection method: clinical testing. Allele origin: germline. Affected: yes.
Comment: In silico analysis supports that this missense variant does not alter protein structure/function; Not observed at significant frequency in large population cohorts (Lek et al., 2016); Has not been previously published as pathogenic or benign to our knowledge

Genome-Nilou Lab
Classification: Uncertain significance for Sotos syndrome. Last evaluated: 2021-07-15. Review status: criteria provided, single submitter. Criteria: ACMG Guidelines, 2015. Collection method: clinical testing. Allele origin: germline. Affected: no.

Genetic Services Laboratory, University of Chicago
Classification: Uncertain significance for Sotos syndrome 1. Last evaluated: 2013-02-08. Review status: criteria provided, single submitter. Criteria: ACMG Guidelines, 2007. Collection method: clinical testing. Allele origin: germline. Inheritance: Autosomal dominant inheritance.